The following is an entry in ClinVar:

ClinVar aggregate classification (germline): Pathogenic. Review status: criteria provided, multiple submitters, no conflicts (2 of 4 stars). 4 submissions from 4 submitters: Pathogenic (4). Last evaluated 2022-03-15.

Conditions:
NF1-related disorder. Also called: NF1-related condition. Identifiers: MedGen CN379171.
Neurofibromatosis, type 1 (NF1). Also called: VON RECKLINGHAUSEN DISEASE; NEUROFIBROMATOSIS, TYPE I, SOMATIC; Peripheral type neurofibromatosis; Neurofibromatosis, type I. Identifiers: Orphanet 636, MedGen C0027831, MONDO:0018975, OMIM 162200. Disease mechanism: loss of function.

Submissions (4):

Genome-Nilou Lab
Classification: Pathogenic for Neurofibromatosis, type 1. Last evaluated: 2022-03-15. Review status: criteria provided, single submitter. Criteria: ACMG Guidelines, 2015. Collection method: clinical testing. Allele origin: germline. Affected: no.

Blueprint Genetics
Classification: Pathogenic for NF1-related disorders. Last evaluated: 2021-05-20. Review status: criteria provided, single submitter. Criteria: ACMG Guidelines, 2015. Collection method: clinical testing. Allele origin: germline. Affected: yes. Observed: 1 variant allele.

Labcorp Genetics (formerly Invitae), Labcorp
Classification: Pathogenic for Neurofibromatosis, type 1. Last evaluated: 2020-12-20. Review status: criteria provided, single submitter. Criteria: Invitae Variant Classification Sherloc (09022015). Collection method: clinical testing. Allele origin: germline.
Comment: This sequence change creates a premature translational stop signal (p.Val1021*) in the NF1 gene. It is expected to result in an absent or disrupted protein product. Loss-of-function variants in NF1 are known to be pathogenic (PMID: 10712197, 23913538). For these reasons, this variant has been classified as Pathogenic. This variant has been observed in individual(s) with neurofibromatosis type 1 (NF1) (PMID: 10712197) and neurofibromatosis-Noonan syndrome (NFNS) (PMID: 17103458). ClinVar contains an entry for this variant (Variation ID: 517397). This variant is not present in population databases (ExAC no frequency).

Laboratory for Molecular Medicine, Mass General Brigham Personalized Medicine
Classification: Pathogenic for Neurofibromatosis, type 1. Last evaluated: 2017-05-15. Review status: criteria provided, single submitter. Criteria: LMM Criteria. Collection method: clinical testing. Allele origin: germline. Inheritance: Autosomal dominant inheritance. Observed: 1 variant allele.
Comment: The p.Val1021X variant in NF1 has been reported in at least 1 individual with ne urofibromatosis and segregated with disease in 1 affected relative (Fahsold 2000 , Huffmeier 2006). It was absent from large population studies. This variant is a deletion of 1 base, which results in a premature termination codon at amino ac id position 1021. This alteration is then predicted to lead to a truncated or ab sent protein. Heterozygous loss of function of the NF1 gene is an established di sease mechanism in neurofibromatosis. In summary, this variant meets criteria to be classified as pathogenic for autosomal dominant neurofibromatosis based upon absence from controls and its predicted impact on the protein.

Literature cited by the submitters: PubMed 10712197 (cited by Labcorp Genetics (formerly Invitae), Labcorp and Laboratory for Molecular Medicine, Mass General Brigham Personalized Medicine); PubMed 23913538 (cited by Labcorp Genetics (formerly Invitae), Labcorp); PubMed 17103458 (cited by Labcorp Genetics (formerly Invitae), Labcorp and Laboratory for Molecular Medicine, Mass General Brigham Personalized Medicine).

NM_001042492.3(NF1):c.3060del (p.Glu1020_Val1021insTer)

Gene: NF1 (neurofibromin 1; plus strand). Cytogenetic location: 17q11.2.
Variant type: Deletion.
Coding change: c.3060del on transcript NM_001042492.3 (MANE Select); coding-DNA position 3060, one base deleted (A; older notation c.3060delA).
Protein change: p.Glu1020_Val1021insTer.
Molecular consequence: frameshift variant. On other transcripts: nonsense (1).
Genome position (GRCh38, 1-based): chr17:31,230,329, A deleted; the last of 2 consecutive A bases (chr17:31,230,328-31,230,329); deleting either gives the same sequence. VCF-style (leftmost placement, unchanged base first): chr17-31230327-GA-G. GRCh37 (hg19) VCF-style: chr17-29557345-GA-G.
Other names: c.3060delA, p.Val1021Terfs (NM_000267.4).
Identifiers: ClinVar variation 517397 (VCV000517397.13), dbSNP rs1555614521, ClinGen allele CA658798758.
Genomic context (GRCh38, chr17:31,230,327, plus strand): 5'-CGTGTGCTTGGGAATATGGTCCATGCAATTCAAATAAAAACGAAACTGTGTCAATTAGTT[GA>G]AGTAATGATGGCAAGGAGAGATGACCTCTCATTTTGCCAAGAGATGAAATTTAGGTGAGT-3'